The following is an entry in ClinVar:

NM_014363.6(SACS):c.12992G>A (p.Arg4331Gln)

Gene: SACS (sacsin molecular chaperone; minus strand). Cytogenetic location: 13q12.12.
Variant type: single nucleotide variant.
Coding change: c.12992G>A on transcript NM_014363.6 (MANE Select); coding-DNA position 12992, G replaced by A.
Protein change: p.Arg4331Gln; replaces arginine 4331 with glutamine.
Molecular consequence: missense variant.
Genome position (GRCh38, 1-based): chr13:23,330,884, C>T on the plus strand (G>A on the coding strand, the complement: SACS is on the minus strand). VCF-style: chr13-23330884-C-T. GRCh37 (hg19) VCF-style: chr13-23905023-C-T.
Other names: c.12551G>A, p.Arg4184Gln (NM_001278055.2); short protein forms R4184Q, R4331Q.
Identifiers: ClinVar variation 3242487 (VCV003242487.2).

ClinVar aggregate classification (germline): Likely pathogenic. Review status: criteria provided, multiple submitters, no conflicts (2 of 4 stars). 2 submissions from 2 submitters: Likely pathogenic (2). Last evaluated 2025-12-09.

Conditions:
Charlevoix-Saguenay spastic ataxia (SACS). Also called: Spastic ataxia of Charlevoix-Saguenay; SPASTIC ATAXIA 6, AUTOSOMAL RECESSIVE; AUTOSOMAL RECESSIVE SPASTIC ATAXIA OF CHARLEVOIX-SAGUENAY. Identifiers: Orphanet 98, MedGen C1849140, MONDO:0010041, OMIM 270550.

Submissions (2):

Natera, Inc.
Classification: Likely pathogenic for Charlevoix-Saguenay type spastic ataxia. Last evaluated: 2025-12-09. Review status: criteria provided, single submitter. Criteria: Natera Variant Classification Schema (03/2026). Collection method: clinical testing. Allele origin: germline.
Comment: The c.12992G>A variant in SACS is a missense variant predicted to cause substitution of arginine to glutamine at amino acid 4331. This variant is rare in the general population with a frequency below the threshold expected for the associated phenotype(s). This variant has been observed in one or more individuals affected with the associated recessive disease, as either homozygous or compound heterozygous with a second variant (PMID: 18465152, 23250129). This variant has been identified in one or more affected individuals with a phenotype highly consistent with the associated gene (PMID:18465152, 23250129). Computational prediction algorithms indicate this variant is likely to affect gene or protein function. Given the available evidence, this variant is classified as Likely Pathogenic.

PROSPAX: an integrated multimodal progression  chart in spastic ataxias, Center for Neurology; Hertie-Institute for Clinical Brain Research
Classification: Likely pathogenic for Charlevoix-Saguenay spastic ataxia. Last evaluated: 2022-01-01. Review status: criteria provided, single submitter. Criteria: ACMG Guidelines, 2015. Collection method: research. Allele origin: germline. Affected: yes.
Comment: Variant seen in compound het: [c.8844delT;c.12992G>A]

Literature cited by the submitters: PubMed 18465152 (cited by Natera, Inc.); PubMed 23250129 (cited by Natera, Inc.).